The following is an entry in ClinVar:

NM_015378.4(VPS13D):c.4603-9T>A

Gene: VPS13D (vacuolar protein sorting 13 homolog D; plus strand). Cytogenetic location: 1p36.22.
Variant type: single nucleotide variant.
Coding change: c.4603-9T>A on transcript NM_015378.4 (MANE Select); 9 bases into the intron before coding-DNA position 4603, T replaced by A.
Molecular consequence: intron variant.
Genome position (GRCh38, 1-based): chr1:12,282,696, T>A. VCF-style: chr1-12282696-T-A. GRCh37 (hg19) VCF-style: chr1-12342753-T-A.
Other names: p.?; c.4603-9T>A (NM_018156.4).
Identifiers: ClinVar variation 1626065 (VCV001626065.9), dbSNP rs368004467, ClinGen allele CA602183.
Genomic context (GRCh38, chr1:12,282,696, plus strand): 5'-CATTTATGGGCATTACATCTACGTGCATTTAATAATAAGAGTAACTGAATTTTTCTCTTT[T>A]CAATACAGGTGGTGTTAGCAAAGCATGTATATGAGCAGGTTTTACAAACCCTGGACAATC-3'

ClinVar aggregate classification (germline): Benign. Review status: criteria provided, multiple submitters, no conflicts (2 of 4 stars). 2 submissions from 2 submitters: Benign (2). Last evaluated 2025-10-02.

Allele frequency attached by ClinVar (database versions not stated): ESP Exome Variant Server 0.00200; 1000 Genomes Project 0.00300; 1000 Genomes Project 30x 0.00328; gnomAD exomes 0.00015 and 0.00049; ExAC 0.00068; gnomAD 0.00176 and 0.00181; TOPMed 0.00197.
gnomAD v4.1: 494 of 1,587,444 alleles (0.031%); highest among the groups gnomAD compares: African/African-American, 0.58%; 1 homozygote.

Submissions (2):

Labcorp Genetics (formerly Invitae), Labcorp
Classification: Benign. Last evaluated: 2025-10-02. Review status: criteria provided, single submitter. Criteria: Invitae Variant Classification Sherloc (09022015). Collection method: clinical testing. Allele origin: germline.

Mayo Clinic Laboratories, Mayo Clinic
Classification: Benign. Last evaluated: 2025-04-29. Review status: criteria provided, single submitter. Criteria: ACMG Guidelines, 2015. Collection method: clinical testing. Allele origin: germline. Observed: 1 variant allele.
Comment: BA1, BP4, BP7